The following is an entry in ClinVar:

NC_000011.9:g.(?_8060421)_(8123166_?)dup

Gene: TUB (TUB bipartite transcription factor; plus strand). Cytogenetic location: 11p15.4.
Variant type: Duplication.
Identifiers: ClinVar variation 2424669 (VCV002424669.4).

ClinVar aggregate classification (germline): Uncertain significance (1 of 4 stars; one submission).

Submission:

Labcorp Genetics (formerly Invitae), Labcorp
Classification: Uncertain significance. Last evaluated: 2022-07-20. Review status: criteria provided, single submitter. Criteria: Invitae Variant Classification Sherloc (09022015). Collection method: clinical testing. Allele origin: germline.
Comment: In summary, the available evidence is currently insufficient to determine the role of this variant in disease. Therefore, it has been classified as a Variant of Uncertain Significance. Experimental studies and prediction algorithms are not available or were not evaluated, and the functional significance of this variant is currently unknown. This variant has not been reported in the literature in individuals affected with TUB-related conditions. A copy number gain of the genomic region encompassing the full coding sequence of the TUB gene has been identified. The boundaries of this event are unknown as they extend beyond the assayed region for this gene and therefore may encompass additional genes. As the precise location of this event is unknown, it may be in tandem or it may be located elsewhere in the genome.